The following is an entry in ClinVar:

ClinVar aggregate classification (germline): Likely benign (1 of 4 stars; one submission).

Allele frequency attached by ClinVar (database versions not stated): gnomAD exomes below 0.00001; gnomAD 0.00001.
gnomAD v4.1: 5 of 1,613,482 alleles (0.00031%); highest among the groups gnomAD compares: Admixed American, 0.0017%; no homozygotes.

Submission:

CeGaT Center for Human Genetics Tuebingen
Classification: Likely benign. Last evaluated: 2023-07-01. Review status: criteria provided, single submitter. Criteria: CeGaT Center For Human Genetics Tuebingen Variant Classification Criteria Version 2. Collection method: clinical testing. Allele origin: germline. Affected: yes. Observed: 1 variant allele.
Comment: GAN: BP4, BP7

NM_022041.4(GAN):c.1479G>A (p.Glu493=)

Gene: GAN (gigaxonin; plus strand). Cytogenetic location: 16q23.2.
Variant type: single nucleotide variant.
Coding change: c.1479G>A on transcript NM_022041.4 (MANE Select); coding-DNA position 1479, G replaced by A.
Protein change: p.Glu493=; no amino-acid change (glutamic acid 493 retained).
Molecular consequence: synonymous variant.
Genome position (GRCh38, 1-based): chr16:81,365,455, G>A. VCF-style: chr16-81365455-G-A. GRCh37 (hg19) VCF-style: chr16-81399060-G-A.
Other names: c.840G>A, p.Glu280= (NM_001377486.1).
Identifiers: ClinVar variation 2646895 (VCV002646895.24), dbSNP rs749638084, ClinGen allele CA496699566.
Genomic context (GRCh38, chr16:81,365,455, plus strand): 5'-TGGGGGAGTCCGAAGTCGTGAGGACGCCCAGGGTAGCGAGATGGTAACTTGCAAGTCCGA[G>A]TTCTACCATGATGAGTTTAAAAGGTAACTAAGAATGGTTTCACATAGCTACTGCAACTTT-3'
Protein context (NP_071324.1, residues 483-503): QGSEMVTCKS[Glu493=]FYHDEFKRWI